The following is an entry in ClinVar:

ClinVar aggregate classification (germline): Likely pathogenic (1 of 4 stars; one submission).

Submission:

Labcorp Genetics (formerly Invitae), Labcorp
Classification: Likely pathogenic. Last evaluated: 2023-02-27. Review status: criteria provided, single submitter. Criteria: Invitae Variant Classification Sherloc (09022015). Collection method: clinical testing. Allele origin: germline.
Comment: This sequence change affects a donor splice site in intron 12 of the SLC12A6 gene. It is expected to disrupt RNA splicing. Variants that disrupt the donor or acceptor splice site typically lead to a loss of protein function (PMID: 16199547), and loss-of-function variants in SLC12A6 are known to be pathogenic (PMID: 12368912, 16606917). This variant is not present in population databases (gnomAD no frequency). This variant has not been reported in the literature in individuals affected with SLC12A6-related conditions. In summary, the currently available evidence indicates that the variant is pathogenic, but additional data are needed to prove that conclusively. Therefore, this variant has been classified as Likely Pathogenic.

Literature cited by the submitters: PubMed 16199547; PubMed 12368912; PubMed 16606917.

NM_001365088.1(SLC12A6):c.1649+2T>A

Gene: SLC12A6 (solute carrier family 12 member 6; minus strand). Cytogenetic location: 15q14.
Variant type: single nucleotide variant.
Coding change: c.1649+2T>A on transcript NM_001365088.1 (MANE Select); the canonical splice donor site of the intron after coding-DNA position 1649, T replaced by A.
Molecular consequence: splice donor variant.
Genome position (GRCh38, 1-based): chr15:34,250,296, A>T on the plus strand (T>A on the coding strand, the complement: SLC12A6 is on the minus strand). VCF-style: chr15-34250296-A-T. GRCh37 (hg19) VCF-style: chr15-34542497-A-T.
Other names: c.1622+2T>A (NM_001042496.2); c.1604+2T>A (NM_001042497.2); c.1472+2T>A (NM_001042495.2, NM_001042494.2); c.1649+2T>A (NM_133647.2); c.1496+2T>A (NM_005135.2).
Identifiers: ClinVar variation 2839079 (VCV002839079.3), dbSNP rs2509800523, ClinGen allele CA391605207.